The following is an entry in ClinVar:

NM_001365536.1(SCN9A):c.4266C>A (p.Asp1422Glu)

Genes: SCN1A-AS1 (SCN1A and SCN9A antisense RNA 1; plus strand), SCN9A (sodium voltage-gated channel alpha subunit 9; minus strand). Cytogenetic location: 2q24.3.
Variant type: single nucleotide variant.
Coding change: c.4266C>A on transcript NM_001365536.1 (MANE Select); coding-DNA position 4266, C replaced by A.
Protein change: p.Asp1422Glu; replaces aspartic acid 1422 with glutamic acid.
Molecular consequence: missense variant.
Genome position (GRCh38, 1-based): chr2:166,226,699, G>T on the plus strand (C>A on the coding strand, the complement: SCN9A is on the minus strand). VCF-style: chr2-166226699-G-T. GRCh37 (hg19) VCF-style: chr2-167083209-G-T.
Other names: c.4233C>A, p.Asp1411Glu (NM_002977.4); short protein forms D1411E, D1422E.
Identifiers: ClinVar variation 2928456 (VCV002928456.3), dbSNP rs2468969116, ClinGen allele CA349062124.

ClinVar aggregate classification (germline): Uncertain significance (1 of 4 stars; one submission).

Conditions:
Neuropathy, hereditary sensory and autonomic, type 2A (HSAN2A). Also called: ACROOSTEOLYSIS, GIACCAI TYPE; ACROOSTEOLYSIS, NEUROGENIC; WNK1-Related HSAN2 (HSAN2A); MORVAN DISEASE; NEUROPATHY, CONGENITAL SENSORY; NEUROPATHY, HEREDITARY SENSORY RADICULAR, AUTOSOMAL RECESSIVE. Identifiers: Orphanet 970, MedGen C2752089, MONDO:0024309, OMIM 201300.
Generalized epilepsy with febrile seizures plus, type 7 (GEFSP7). Also called: GEFS+, TYPE 7. Identifiers: Orphanet 36387, MedGen C2751778, MONDO:0013470, OMIM 613863.

Submission:

Labcorp Genetics (formerly Invitae), Labcorp
Classification: Uncertain significance for Neuropathy, hereditary sensory and autonomic, type 2A; Generalized epilepsy with febrile seizures plus, type 7. Last evaluated: 2022-12-02. Review status: criteria provided, single submitter. Criteria: Invitae Variant Classification Sherloc (09022015). Collection method: clinical testing. Allele origin: germline.
Comment: This variant is not present in population databases (gnomAD no frequency). This sequence change replaces aspartic acid, which is acidic and polar, with glutamic acid, which is acidic and polar, at codon 1411 of the SCN9A protein (p.Asp1411Glu). This variant has not been reported in the literature in individuals affected with SCN9A-related conditions. In summary, the available evidence is currently insufficient to determine the role of this variant in disease. Therefore, it has been classified as a Variant of Uncertain Significance. Advanced modeling of protein sequence and biophysical properties (such as structural, functional, and spatial information, amino acid conservation, physicochemical variation, residue mobility, and thermodynamic stability) performed at Invitae indicates that this missense variant is not expected to disrupt SCN9A protein function.